The following is an entry in ClinVar:

ClinVar aggregate classification (germline): Uncertain significance. Review status: criteria provided, multiple submitters, no conflicts (2 of 4 stars). 2 submissions from 2 submitters: Uncertain significance (2). Last evaluated 2024-06-10.

Allele frequency attached by ClinVar (database versions not stated): TOPMed below 0.00001.

Submissions (2):

Ambry Genetics
Classification: Uncertain significance. Last evaluated: 2024-06-10. Review status: criteria provided, single submitter. Criteria: Ambry Variant Classification Scheme 2023. Collection method: clinical testing. Allele origin: germline.

Labcorp Genetics (formerly Invitae), Labcorp
Classification: Uncertain significance. Last evaluated: 2024-02-05. Review status: criteria provided, single submitter. Criteria: Invitae Variant Classification Sherloc (09022015). Collection method: clinical testing. Allele origin: germline.
Comment: This sequence change replaces leucine, which is neutral and non-polar, with arginine, which is basic and polar, at codon 439 of the ARHGEF10 protein (p.Leu439Arg). This variant is not present in population databases (gnomAD no frequency). This variant has not been reported in the literature in individuals affected with ARHGEF10-related conditions. Advanced modeling of protein sequence and biophysical properties (such as structural, functional, and spatial information, amino acid conservation, physicochemical variation, residue mobility, and thermodynamic stability) performed at Invitae indicates that this missense variant is not expected to disrupt ARHGEF10 protein function with a negative predictive value of 80%. In summary, the available evidence is currently insufficient to determine the role of this variant in disease. Therefore, it has been classified as a Variant of Uncertain Significance.

NM_014629.4(ARHGEF10):c.1316T>G (p.Leu439Arg)

Gene: ARHGEF10 (Rho guanine nucleotide exchange factor 10; plus strand). Cytogenetic location: 8p23.3.
Variant type: single nucleotide variant.
Coding change: c.1316T>G on transcript NM_014629.4 (MANE Select); coding-DNA position 1316, T replaced by G.
Protein change: p.Leu439Arg; replaces leucine 439 with arginine.
Molecular consequence: missense variant.
Genome position (GRCh38, 1-based): chr8:1,894,448, T>G. VCF-style: chr8-1894448-T-G. GRCh37 (hg19) VCF-style: chr8-1842614-T-G.
Other names: c.1202T>G, p.Leu401Arg (NM_001308152.2); c.1319T>G, p.Leu440Arg (NM_001308153.3); short protein forms L401R, L464R, L439R, L440R.
Identifiers: ClinVar variation 2974213 (VCV002974213.4), dbSNP rs1809805779, ClinGen allele CA369959220.